The following is an entry in ClinVar:

ClinVar aggregate classification (germline): Uncertain significance. Review status: criteria provided, multiple submitters, no conflicts (2 of 4 stars). 3 submissions from 3 submitters: Uncertain significance (2). 1 of the submissions does not count toward it. Last evaluated 2025-08-23.

Conditions:
Inborn genetic diseases. Identifiers: MedGen C0950123, MeSH D030342.
Menkes kinky-hair syndrome (MNK). Also called: Menkes Disease; Copper transport disease; Classic Menkes Disease. Identifiers: Orphanet 565, MedGen C0022716, MONDO:0010651, OMIM 309400.
Cutis laxa, X-linked (OHS). Also called: EDS IX; Occipital horn syndrome. Identifiers: Orphanet 198, MedGen C0268353, MONDO:0010572, OMIM 304150.
X-linked distal spinal muscular atrophy type 3. Also called: ATP7A-Related Distal Motor Neuropathy; NEURONOPATHY, DISTAL HEREDITARY MOTOR, X-LINKED; NEUROPATHY, DISTAL HEREDITARY MOTOR, X-LINKED; SPINAL MUSCULAR ATROPHY, DISTAL, X-LINKED RECESSIVE. Identifiers: Orphanet 139557, MedGen C1845359, MONDO:0010338, OMIM 300489.

Allele frequency attached by ClinVar (database versions not stated): gnomAD exomes below 0.00001; TOPMed below 0.00001; gnomAD 0.00001.
gnomAD v4.1: 5 of 1,209,570 alleles (0.00041%); highest among the groups gnomAD compares: Non-Finnish European, 0.00056%; no homozygotes.

Submissions (3):

Ambry Genetics
Classification: Uncertain significance for Inborn genetic diseases. Last evaluated: 2025-08-23. Review status: criteria provided, single submitter. Criteria: Ambry Variant Classification Scheme 2023. Collection method: clinical testing. Allele origin: germline.

Labcorp Genetics (formerly Invitae), Labcorp
Classification: Uncertain significance for X-linked distal spinal muscular atrophy type 3; Cutis laxa, X-linked; Menkes kinky-hair syndrome. Last evaluated: 2021-08-27. Review status: criteria provided, single submitter. Criteria: Invitae Variant Classification Sherloc (09022015). Collection method: clinical testing. Allele origin: germline.
Comment: This sequence change replaces lysine with isoleucine at codon 1259 of the ATP7A protein (p.Lys1259Ile). The lysine residue is highly conserved and there is a moderate physicochemical difference between lysine and isoleucine. This variant is not present in population databases (ExAC no frequency). This variant has not been reported in the literature in individuals affected with ATP7A-related conditions. Algorithms developed to predict the effect of missense changes on protein structure and function are either unavailable or do not agree on the potential impact of this missense change (SIFT: "Deleterious"; PolyPhen-2: "Possibly Damaging"; Align-GVGD: "Class C0"). In summary, the available evidence is currently insufficient to determine the role of this variant in disease. Therefore, it has been classified as a Variant of Uncertain Significance.

Natera, Inc.
Classification: Uncertain significance for Menkes kinky hair syndrome. Last evaluated: 2020-12-18. Review status: no assertion criteria provided. Collection method: clinical testing. Allele origin: germline. Not counted in ClinVar's aggregate classification.

NM_000052.7(ATP7A):c.3776A>T (p.Lys1259Ile)

Gene: ATP7A (ATPase copper transporting alpha; plus strand). Cytogenetic location: Xq21.1.
Variant type: single nucleotide variant.
Coding change: c.3776A>T on transcript NM_000052.7 (MANE Select); coding-DNA position 3776, A replaced by T.
Protein change: p.Lys1259Ile; replaces lysine 1259 with isoleucine.
Molecular consequence: missense variant. On other transcripts: non-coding transcript variant (1).
Genome position (GRCh38, 1-based): chrX:78,040,708, A>T. VCF-style: chrX-78040708-A-T. GRCh37 (hg19) VCF-style: chrX-77296206-A-T.
Other names: c.3776A>T (NM_000052.4); c.3542A>T, p.Lys1181Ile (NM_001282224.2); short protein forms K1259I, K1181I.
Identifiers: ClinVar variation 950145 (VCV000950145.9), dbSNP rs962646396, ClinGen allele CA331108261.